The following is an entry in ClinVar:

ClinVar aggregate classification (germline): Uncertain significance (1 of 4 stars; one submission).

Allele frequency attached by ClinVar (database versions not stated): gnomAD exomes below 0.00001.
gnomAD v4.1: 3 of 1,614,036 alleles (0.00019%); highest among the groups gnomAD compares: African/African-American, 0.0013%; no homozygotes.

Submission:

GeneDx
Classification: Uncertain significance. Last evaluated: 2023-02-02. Review status: criteria provided, single submitter. Criteria: GeneDx Variant Classification Process June 2021. Collection method: clinical testing. Allele origin: germline. Affected: yes.
Comment: Not observed at significant frequency in large population cohorts (gnomAD); In silico analysis supports that this missense variant does not alter protein structure/function; Has not been previously published as pathogenic or benign to our knowledge

NM_207037.2(TCF12):c.1750A>G (p.Thr584Ala)

Gene: TCF12 (transcription factor 12; plus strand). Cytogenetic location: 15q21.3.
Variant type: single nucleotide variant.
Coding change: c.1750A>G on transcript NM_207037.2 (MANE Select); coding-DNA position 1750, A replaced by G.
Protein change: p.Thr584Ala; replaces threonine 584 with alanine.
Molecular consequence: missense variant.
Genome position (GRCh38, 1-based): chr15:57,273,034, A>G. VCF-style: chr15-57273034-A-G. GRCh37 (hg19) VCF-style: chr15-57565232-A-G.
Other names: c.1576A>G, p.Thr526Ala (NM_001322156.2); c.1678A>G, p.Thr560Ala (NM_001322157.3, NM_001322165.2, NM_003205.4 and 1 more transcripts); c.1504A>G, p.Thr502Ala (NM_001322158.2); c.1750A>G, p.Thr584Ala (NM_001322159.3, NM_001322162.2, NM_207036.2 and 1 more transcripts); c.1747A>G, p.Thr583Ala (NM_001322161.2, NM_001322152.2); c.1714A>G, p.Thr572Ala (NM_001322164.2); c.1168A>G, p.Thr390Ala (NM_207040.2); c.1240A>G, p.Thr414Ala (NM_001306219.3); and 2 more; short protein forms T324A, T365A, T390A, T414A, T502A, T526A, T560A, T572A.
Identifiers: ClinVar variation 2574843 (VCV002574843.1), dbSNP rs2551501093, ClinGen allele CA392591597.